The following is an entry in ClinVar:

ClinVar aggregate classification (germline): Uncertain significance. Review status: criteria provided, multiple submitters, no conflicts (2 of 4 stars). 2 submissions from 2 submitters: Uncertain significance (2). Last evaluated 2023-10-05.

Conditions:
Primary ciliary dyskinesia. Also called: Ciliary dyskinesia. Identifiers: Orphanet 244, MedGen C0008780, MONDO:0016575, HP:0012265.

Allele frequency attached by ClinVar (database versions not stated): gnomAD 0.00001; gnomAD exomes 0.00001; 1000 Genomes Project 30x 0.00031.
gnomAD v4.1: 13 of 1,540,312 alleles (0.00084%); highest among the groups gnomAD compares: South Asian, 0.014%; no homozygotes.

Submissions (2):

Labcorp Genetics (formerly Invitae), Labcorp
Classification: Uncertain significance for Primary ciliary dyskinesia. Last evaluated: 2023-10-05. Review status: criteria provided, single submitter. Criteria: Invitae Variant Classification Sherloc (09022015). Collection method: clinical testing. Allele origin: germline.
Comment: This sequence change replaces glycine, which is neutral and non-polar, with serine, which is neutral and polar, at codon 275 of the DNAAF3 protein (p.Gly275Ser). This variant is not present in population databases (gnomAD no frequency). This missense change has been observed in individual(s) with clinical features of primary ciliary dyskinesia (PMID: 31213628). Advanced modeling of protein sequence and biophysical properties (such as structural, functional, and spatial information, amino acid conservation, physicochemical variation, residue mobility, and thermodynamic stability) performed at Invitae indicates that this missense variant is expected to disrupt DNAAF3 protein function. In summary, the available evidence is currently insufficient to determine the role of this variant in disease. Therefore, it has been classified as a Variant of Uncertain Significance.

Blueprint Genetics
Classification: Uncertain significance. Last evaluated: 2022-03-22. Review status: criteria provided, single submitter. Criteria: ACMG Guidelines, 2015. Collection method: clinical testing. Allele origin: germline.

Literature cited by the submitters: PubMed 31213628 (cited by Labcorp Genetics (formerly Invitae), Labcorp).

NM_001256715.2(DNAAF3):c.619G>A (p.Gly207Ser)

Genes: DNAAF3 (dynein axonemal assembly factor 3; minus strand), DNAAF3-AS1 (DNAAF3 antisense RNA 1; plus strand). Cytogenetic location: 19q13.42.
Variant type: single nucleotide variant.
Coding change: c.619G>A on transcript NM_001256715.2 (MANE Select); coding-DNA position 619, G replaced by A.
Protein change: p.Gly207Ser; replaces glycine 207 with serine.
Molecular consequence: missense variant.
Genome position (GRCh38, 1-based): chr19:55,161,687, C>T on the plus strand (G>A on the coding strand, the complement: DNAAF3 is on the minus strand). VCF-style: chr19-55161687-C-T. GRCh37 (hg19) VCF-style: chr19-55673055-C-T.
Other names: c.823G>A, p.Gly275Ser (NM_001256714.1); c.457G>A, p.Gly153Ser (NM_001256716.2); c.760G>A, p.Gly254Ser (NM_178837.4); short protein forms G275S, G153S, G207S, G254S.
Identifiers: ClinVar variation 2907546 (VCV002907546.4), dbSNP rs1464540393, ClinGen allele CA407454743.